The following is an entry in ClinVar:

NM_001122752.2(SERPINI1):c.929T>G (p.Leu310Arg)

Gene: SERPINI1 (serpin family I member 1; plus strand). Cytogenetic location: 3q26.1.
Variant type: single nucleotide variant.
Coding change: c.929T>G on transcript NM_001122752.2 (MANE Select); coding-DNA position 929, T replaced by G.
Protein change: p.Leu310Arg; replaces leucine 310 with arginine.
Molecular consequence: missense variant.
Genome position (GRCh38, 1-based): chr3:167,807,291, T>G. VCF-style: chr3-167807291-T-G. GRCh37 (hg19) VCF-style: chr3-167525079-T-G.
Other names: c.929T>G, p.Leu310Arg (NM_005025.5); short protein forms L310R.
Identifiers: ClinVar variation 2123015 (VCV002123015.4), dbSNP rs2473305272, ClinGen allele CA355157467.

ClinVar aggregate classification (germline): Uncertain significance (1 of 4 stars; one submission).

Conditions:
Familial encephalopathy with neuroserpin inclusion bodies. Also called: ENCEPHALOPATHY, FAMILIAL, WITH COLLINS BODIES. Identifiers: Orphanet 85110, MedGen C1858680, MONDO:0011412, OMIM 604218.

Submission:

Labcorp Genetics (formerly Invitae), Labcorp
Classification: Uncertain significance for Familial encephalopathy with neuroserpin inclusion bodies. Last evaluated: 2022-10-07. Review status: criteria provided, single submitter. Criteria: Invitae Variant Classification Sherloc (09022015). Collection method: clinical testing. Allele origin: germline.
Comment: Advanced modeling of protein sequence and biophysical properties (such as structural, functional, and spatial information, amino acid conservation, physicochemical variation, residue mobility, and thermodynamic stability) performed at Invitae indicates that this missense variant is expected to disrupt SERPINI1 protein function. In summary, the available evidence is currently insufficient to determine the role of this variant in disease. Therefore, it has been classified as a Variant of Uncertain Significance. This variant has not been reported in the literature in individuals affected with SERPINI1-related conditions. This variant is not present in population databases (gnomAD no frequency). This sequence change replaces leucine, which is neutral and non-polar, with arginine, which is basic and polar, at codon 310 of the SERPINI1 protein (p.Leu310Arg).